The following is an entry in ClinVar:

ClinVar aggregate classification (germline): Uncertain significance (1 of 4 stars; one submission).

Conditions:
Cystic fibrosis (CF). Also called: MUCOVISCIDOSIS. Identifiers: Orphanet 586, MedGen C0010674, MONDO:0009061, OMIM 219700. Disease mechanism: loss of function.

Submission:

Ambry Genetics
Classification: Uncertain significance for Cystic fibrosis. Last evaluated: 2025-05-05. Review status: criteria provided, single submitter. Criteria: Ambry Variant Classification Scheme 2023. Collection method: clinical testing. Allele origin: germline.
Comment: The p.S1235C variant (also known as c.3703A>T), located in coding exon 22 of the CFTR gene, results from an A to T substitution at nucleotide position 3703. The serine at codon 1235 is replaced by cysteine, an amino acid with dissimilar properties. This amino acid position is conserved. In addition, the in silico prediction for this alteration is inconclusive. Based on the available evidence, the clinical significance of this variant remains unclear.

NM_000492.4(CFTR):c.3703A>T (p.Ser1235Cys)

Genes: CFTR (CF transmembrane conductance regulator; plus strand), CFTR-AS2 (CFTR antisense RNA 2; minus strand). Cytogenetic location: 7q31.2.
Variant type: single nucleotide variant.
Coding change: c.3703A>T on transcript NM_000492.4 (MANE Select); coding-DNA position 3703, A replaced by T.
Protein change: p.Ser1235Cys; replaces serine 1235 with cysteine.
Molecular consequence: missense variant.
Genome position (GRCh38, 1-based): chr7:117,627,756, A>T. VCF-style: chr7-117627756-A-T. GRCh37 (hg19) VCF-style: chr7-117267810-A-T.
Other names: short protein forms S1235C.
Identifiers: ClinVar variation 4001857 (VCV004001857.1).